The following is an entry in ClinVar:

NC_012920.1(MT-ATP8):m.8453A>G

Gene: MT-ATP8 (mitochondrially encoded ATP synthase 8; plus strand).
Variant type: single nucleotide variant.
Genome position: chrM-8453-A-G.
Identifiers: ClinVar variation 692860 (VCV000692860.1), dbSNP rs1603221486, ClinGen allele CA414796160.
Genomic context (GRCh38, chrMT:8,453, plus strand): 5'-CCCACCATAATTACCCCCATACTCCTTACACTATTCCTCATCACCCAACTAAAAATATTA[A>G]ACACAAACTACCACCTACCTCCCTCACCAAAGCCCATAAAAATAAAAAATTATAACAAAC-3'

ClinVar aggregate classification (germline): Likely benign (1 of 4 stars; one submission).

Conditions:
Leigh syndrome (NULS). Also called: Leigh's necrotizing encephalopathy; Leigh's disease; Leigh Syndrome (mtDNA deletion); Leigh Disease; Subacute necrotizing encephalopathy; Necrotizing encephalopathy infantile subacute of Leigh. Identifiers: Orphanet 506, MedGen C2931891, MONDO:0009723, OMIM 256000.

Submission:

Wong Mito Lab, Molecular and Human Genetics, Baylor College of Medicine
Classification: Likely benign for Leigh syndrome. Last evaluated: 2019-10-17. Review status: criteria provided, single submitter. Criteria: Modified ACMG Guidelines (Unpublished). Collection method: clinical testing. Allele origin: germline.
Comment: The NC_012920.1:m.8453A>G (YP_003024030.1:p.Asn30Asp) variant in MTATP8 gene is interpretated to be a Likely Benign variant based on the modified ACMG guidelines (unpublished). This variant meets the following evidence codes: BS1, BP5